The following is an entry in ClinVar:

ClinVar aggregate classification (germline): Uncertain significance. Review status: criteria provided, multiple submitters, no conflicts (2 of 4 stars). 5 submissions from 5 submitters: Uncertain significance (5). Last evaluated 2026-09-14.

Conditions:
Fraser syndrome 1 (FRASRS1). Also called: CRYPTOPHTHALMOS WITH OTHER MALFORMATIONS. Identifiers: Orphanet 2052, MedGen C4551480, MONDO:0054737, OMIM 219000.
Inborn genetic diseases. Identifiers: MedGen C0950123, MeSH D030342.
FRAS1-related disorder. Also called: FRAS1-related condition.

Allele frequency attached by ClinVar (database versions not stated): gnomAD exomes 0.00004 and 0.00005; ExAC 0.00005; gnomAD 0.00005; TOPMed 0.00006.
gnomAD v4.1: 67 of 1,608,238 alleles (0.0042%); highest among the groups gnomAD compares: Non-Finnish European, 0.0054%; no homozygotes.

Submissions (5):

PreventionGenetics, part of Exact Sciences
Classification: Uncertain significance for FRAS1-related condition. Last evaluated: 2026-09-14. Review status: criteria provided, single submitter. Criteria: ACMG Guidelines, 2015. Collection method: clinical testing. Allele origin: germline.
Comment: The FRAS1 c.6002C>T variant is predicted to result in the amino acid substitution p.Pro2001Leu. To our knowledge, this variant has not been reported in the literature. This variant is reported in 0.0084% of alleles in individuals of European (Non-Finnish) descent in gnomAD. At this time, the clinical significance of this variant is uncertain due to the absence of conclusive functional and genetic evidence.

Blueprint Genetics
Classification: Uncertain significance. Last evaluated: 2024-11-26. Review status: criteria provided, single submitter. Criteria: ACMG Guidelines, 2015. Collection method: clinical testing. Allele origin: germline.

Ambry Genetics
Classification: Uncertain significance for Inborn genetic diseases. Last evaluated: 2024-05-28. Review status: criteria provided, single submitter. Criteria: Ambry Variant Classification Scheme 2023. Collection method: clinical testing. Allele origin: germline.

Fulgent Genetics
Classification: Uncertain significance for Fraser syndrome 1. Last evaluated: 2024-04-17. Review status: criteria provided, single submitter. Criteria: ACMG Guidelines, 2015. Collection method: clinical testing. Allele origin: germline.

Labcorp Genetics (formerly Invitae), Labcorp
Classification: Uncertain significance. Last evaluated: 2022-07-26. Review status: criteria provided, single submitter. Criteria: Invitae Variant Classification Sherloc (09022015). Collection method: clinical testing. Allele origin: germline.
Comment: This sequence change replaces proline, which is neutral and non-polar, with leucine, which is neutral and non-polar, at codon 2001 of the FRAS1 protein (p.Pro2001Leu). This variant is present in population databases (rs778174997, gnomAD 0.007%). This variant has not been reported in the literature in individuals affected with FRAS1-related conditions. ClinVar contains an entry for this variant (Variation ID: 1401258). Algorithms developed to predict the effect of missense changes on protein structure and function (SIFT, PolyPhen-2, Align-GVGD) all suggest that this variant is likely to be disruptive. In summary, the available evidence is currently insufficient to determine the role of this variant in disease. Therefore, it has been classified as a Variant of Uncertain Significance.

NM_025074.7(FRAS1):c.6002C>T (p.Pro2001Leu)

Gene: FRAS1 (Fraser extracellular matrix complex subunit 1; plus strand). Cytogenetic location: 4q21.21.
Variant type: single nucleotide variant.
Coding change: c.6002C>T on transcript NM_025074.7 (MANE Select); coding-DNA position 6002, C replaced by T.
Protein change: p.Pro2001Leu; replaces proline 2001 with leucine.
Molecular consequence: missense variant.
Genome position (GRCh38, 1-based): chr4:78,446,872, C>T. VCF-style: chr4-78446872-C-T. GRCh37 (hg19) VCF-style: chr4-79368026-C-T.
Other names: c.6002C>T (NM_025074.6); short protein forms P2001L.
Identifiers: ClinVar variation 1401258 (VCV001401258.8), dbSNP rs778174997, ClinGen allele CA2977674.